The following is an entry in ClinVar:

ClinVar aggregate classification (germline): Pathogenic (1 of 4 stars; one submission).

Conditions:
Cardiovascular phenotype. Identifiers: MedGen CN230736.

Submission:

Ambry Genetics
Classification: Pathogenic for Cardiovascular phenotype. Last evaluated: 2026-08-11. Review status: criteria provided, single submitter. Criteria: Ambry Variant Classification Scheme 2023. Collection method: clinical testing. Allele origin: germline.
Comment: The c.4017delC pathogenic mutation, located in coding exon 23 of the FLNC gene, results from a deletion of one nucleotide at nucleotide position 4017, causing a translational frameshift with a predicted alternate stop codon (p.F1340Sfs*5). This variant is considered to be rare based on population cohorts in the Genome Aggregation Database (gnomAD). This alteration is expected to result in loss of function by premature protein truncation or nonsense-mediated mRNA decay. As such, this alteration is interpreted as a disease-causing mutation for FLNC-related dilated cardiomyopathy; however, its clinical significance for FLNC-related hypertrophic/restrictive cardiomyopathy and/or skeletal myopathy is uncertain.

NM_001458.5(FLNC):c.4017del (p.Phe1340fs)

Gene: FLNC (filamin C; plus strand). Cytogenetic location: 7q32.1.
Variant type: Deletion.
Coding change: c.4017del on transcript NM_001458.5 (MANE Select); coding-DNA position 4017, one base deleted (C; older notation c.4017delC).
Protein change: p.Phe1340fs; shifts the reading frame from phenylalanine 1340.
Molecular consequence: frameshift variant.
Genome position (GRCh38, 1-based): chr7:128,846,353, C deleted; the last of 4 consecutive C bases (chr7:128,846,350-128,846,353); deleting any one gives the same sequence. VCF-style (leftmost placement, unchanged base first): chr7-128846349-GC-G. GRCh37 (hg19) VCF-style: chr7-128486403-GC-G.
Other names: c.4017del, p.Phe1340fs (NM_001127487.2); short protein forms F1340fs.
Identifiers: ClinVar variation 5021961 (VCV005021961.1).